The following is an entry in ClinVar:

NM_001242896.3(DEPDC5):c.3901G>C (p.Glu1301Gln)

Gene: DEPDC5 (DEP domain containing 5, GATOR1 subcomplex subunit; plus strand). Cytogenetic location: 22q12.3.
Variant type: single nucleotide variant.
Coding change: c.3901G>C on transcript NM_001242896.3 (MANE Select); coding-DNA position 3901, G replaced by C.
Protein change: p.Glu1301Gln; replaces glutamic acid 1301 with glutamine.
Molecular consequence: missense variant. On other transcripts: non-coding transcript variant (5).
Genome position (GRCh38, 1-based): chr22:31,879,620, G>C. VCF-style: chr22-31879620-G-C. GRCh37 (hg19) VCF-style: chr22-32275606-G-C.
Other names: c.3874G>C, p.Glu1292Gln (NM_001136029.4); c.3601G>C, p.Glu1201Gln (NM_001242897.2); c.3835G>C, p.Glu1279Gln (NM_001363852.2, NM_001364320.2); c.3667G>C, p.Glu1223Gln (NM_001363854.2, NM_001364319.2); c.3901G>C, p.Glu1301Gln (NM_001364318.2); c.3817G>C, p.Glu1273Gln (NM_001369901.1, NM_001369902.1); c.3808G>C, p.Glu1270Gln (NM_001369903.1, NM_014662.6); c.3901G>C (NM_001242896.1); short protein forms E1273Q, E1292Q, E1301Q, E1223Q, E1270Q, E1201Q, E1279Q.
Identifiers: ClinVar variation 1429742 (VCV001429742.9), dbSNP rs762142759, ClinGen allele CA411282222.

ClinVar aggregate classification (germline): Uncertain significance. Review status: criteria provided, multiple submitters, no conflicts (2 of 4 stars). 2 submissions from 2 submitters: Uncertain significance (2). Last evaluated 2025-04-30.

Conditions:
Familial focal epilepsy with variable foci (FPEVF). Identifiers: Orphanet 98820, MedGen C1858477, MONDO:0020310.

Submissions (2):

GeneDx
Classification: Uncertain significance. Last evaluated: 2025-04-30. Review status: criteria provided, single submitter. Criteria: GeneDx Variant Classification Process June 2021. Collection method: clinical testing. Allele origin: germline. Affected: yes.
Comment: Not observed at significant frequency in large population cohorts (gnomAD); In silico analysis indicates that this missense variant does not alter protein structure/function; Has not been previously published as pathogenic or benign to our knowledge

Labcorp Genetics (formerly Invitae), Labcorp
Classification: Uncertain significance for Familial focal epilepsy with variable foci. Last evaluated: 2022-09-01. Review status: criteria provided, single submitter. Criteria: Invitae Variant Classification Sherloc (09022015). Collection method: clinical testing. Allele origin: germline.
Comment: This sequence change replaces glutamic acid, which is acidic and polar, with glutamine, which is neutral and polar, at codon 1301 of the DEPDC5 protein (p.Glu1301Gln). In summary, the available evidence is currently insufficient to determine the role of this variant in disease. Therefore, it has been classified as a Variant of Uncertain Significance. Algorithms developed to predict the effect of missense changes on protein structure and function are either unavailable or do not agree on the potential impact of this missense change (SIFT: "Tolerated"; PolyPhen-2: "Not Available"; Align-GVGD: "Class C0"). ClinVar contains an entry for this variant (Variation ID: 1429742). This variant has not been reported in the literature in individuals affected with DEPDC5-related conditions. This variant is not present in population databases (gnomAD no frequency).